The following is an entry in ClinVar:

NM_000252.3(MTM1):c.553A>T (p.Ile185Leu)

Gene: MTM1 (myotubularin 1; plus strand). Cytogenetic location: Xq28.
Variant type: single nucleotide variant.
Coding change: c.553A>T on transcript NM_000252.3 (MANE Select); coding-DNA position 553, A replaced by T.
Protein change: p.Ile185Leu; replaces isoleucine 185 with leucine.
Molecular consequence: missense variant.
Genome position (GRCh38, 1-based): chrX:150,641,293, A>T. VCF-style: chrX-150641293-A-T. GRCh37 (hg19) VCF-style: chrX-149809766-A-T.
Other names: c.553A>T, p.Ile185Leu (NM_001376906.1, NM_001376908.1); c.442A>T, p.Ile148Leu (NM_001376907.1); short protein forms I148L, I185L.
Identifiers: ClinVar variation 1352411 (VCV001352411.8), dbSNP rs2148488427, ClinGen allele CA415255997.

ClinVar aggregate classification (germline): Uncertain significance (1 of 4 stars; one submission).

Conditions:
Severe X-linked myotubular myopathy (CNMX). Also called: Myotubular myopathy, X-linked; MYOTUBULAR MYOPATHY 1; X-linked centronuclear myopathy. Identifiers: Orphanet 596, MedGen C0410203, MONDO:0010683, OMIM 310400.

gnomAD v4.1: 3 of 1,211,409 alleles (0.00025%); highest among the groups gnomAD compares: Non-Finnish European, 0.00034%; no homozygotes.

Submission:

Labcorp Genetics (formerly Invitae), Labcorp
Classification: Uncertain significance for Severe X-linked myotubular myopathy. Last evaluated: 2021-05-14. Review status: criteria provided, single submitter. Criteria: Invitae Variant Classification Sherloc (09022015). Collection method: clinical testing. Allele origin: germline.
Comment: In summary, the available evidence is currently insufficient to determine the role of this variant in disease. Therefore, it has been classified as a Variant of Uncertain Significance. Algorithms developed to predict the effect of missense changes on protein structure and function (SIFT, PolyPhen-2, Align-GVGD) all suggest that this variant is likely to be tolerated, but these predictions have not been confirmed by published functional studies and their clinical significance is uncertain. This variant has not been reported in the literature in individuals with MTM1-related conditions. This variant is not present in population databases (ExAC no frequency). This sequence change replaces isoleucine with leucine at codon 185 of the MTM1 protein (p.Ile185Leu). The isoleucine residue is weakly conserved and there is a small physicochemical difference between isoleucine and leucine.